The following is an entry in ClinVar:

ClinVar aggregate classification (germline): Likely benign (1 of 4 stars; one submission).

Allele frequency attached by ClinVar (database versions not stated): TOPMed below 0.00001; gnomAD 0.00001.
gnomAD v4.1: 1 of 1,549,962 alleles (0.000065%); highest among the groups gnomAD compares: East Asian, 0.0024%; no homozygotes.

Submission:

CeGaT Center for Human Genetics Tuebingen
Classification: Likely benign. Last evaluated: 2023-05-01. Review status: criteria provided, single submitter. Criteria: CeGaT Center For Human Genetics Tuebingen Variant Classification Criteria Version 2. Collection method: clinical testing. Allele origin: germline. Affected: yes. Observed: 1 variant allele.
Comment: ZNF469: BP4, BP7

NM_001367624.2(ZNF469):c.3636A>C (p.Ser1212=)

Gene: ZNF469 (zinc finger protein 469; plus strand). Cytogenetic location: 16q24.2.
Variant type: single nucleotide variant.
Coding change: c.3636A>C on transcript NM_001367624.2 (MANE Select); coding-DNA position 3636, A replaced by C.
Protein change: p.Ser1212=; no amino-acid change (serine 1212 retained).
Molecular consequence: synonymous variant.
Genome position (GRCh38, 1-based): chr16:88,431,106, A>C. VCF-style: chr16-88431106-A-C. GRCh37 (hg19) VCF-style: chr16-88497514-A-C.
Identifiers: ClinVar variation 2646968 (VCV002646968.24), dbSNP rs1215567634, ClinGen allele CA497354330.